The following is an entry in ClinVar:

NM_014160.5(MKRN2):c.1212C>G (p.Leu404=)

Gene: MKRN2 (makorin ring finger protein 2; plus strand). Cytogenetic location: 3p25.2.
Variant type: single nucleotide variant.
Coding change: c.1212C>G on transcript NM_014160.5 (MANE Select); coding-DNA position 1212, C replaced by G.
Protein change: p.Leu404=; no amino-acid change (leucine 404 retained).
Molecular consequence: synonymous variant.
Genome position (GRCh38, 1-based): chr3:12,582,214, C>G. VCF-style: chr3-12582214-C-G. GRCh37 (hg19) VCF-style: chr3-12623713-C-G.
Other names: c.1083C>G, p.Leu361= (NM_001271707.2).
Identifiers: ClinVar variation 4871976 (VCV004871976.2).

ClinVar aggregate classification (germline): Likely benign (1 of 4 stars; one submission).

gnomAD v4.1: 2,389 of 1,614,154 alleles (0.15%); highest among the groups gnomAD compares: Non-Finnish European, 0.19%; 4 homozygotes.

Submission:

CeGaT Center for Human Genetics Tuebingen
Classification: Likely benign. Last evaluated: 2026-06-01. Review status: criteria provided, single submitter. Criteria: CeGaT Center For Human Genetics Tuebingen Variant Classification Criteria Version 2. Collection method: clinical testing. Allele origin: germline. Affected: yes. Observed: 2 variant alleles.
Comment: MKRN2: BP4, BP7